The following is an entry in ClinVar:

ClinVar aggregate classification (germline): Uncertain significance (1 of 4 stars; one submission).

Conditions:
Disseminated atypical mycobacterial infection. Identifiers: MedGen C0694566.

Allele frequency attached by ClinVar (database versions not stated): gnomAD exomes 0.00001.
gnomAD v4.1: 11 of 1,614,106 alleles (0.00068%); highest among the groups gnomAD compares: Non-Finnish European, 0.00085%; no homozygotes.

Submission:

Labcorp Genetics (formerly Invitae), Labcorp
Classification: Uncertain significance for Disseminated atypical mycobacterial infection. Last evaluated: 2022-02-25. Review status: criteria provided, single submitter. Criteria: Invitae Variant Classification Sherloc (09022015). Collection method: clinical testing. Allele origin: germline.
Comment: In summary, the available evidence is currently insufficient to determine the role of this variant in disease. Therefore, it has been classified as a Variant of Uncertain Significance. Algorithms developed to predict the effect of missense changes on protein structure and function (SIFT, PolyPhen-2, Align-GVGD) all suggest that this variant is likely to be disruptive. This variant has not been reported in the literature in individuals affected with IFNGR1-related conditions. This variant is not present in population databases (gnomAD no frequency). This sequence change replaces glycine, which is neutral and non-polar, with aspartic acid, which is acidic and polar, at codon 456 of the IFNGR1 protein (p.Gly456Asp).

NM_000416.3(IFNGR1):c.1367G>A (p.Gly456Asp)

Gene: IFNGR1 (interferon gamma receptor 1; minus strand). Cytogenetic location: 6q23.3.
Variant type: single nucleotide variant.
Coding change: c.1367G>A on transcript NM_000416.3 (MANE Select); coding-DNA position 1367, G replaced by A.
Protein change: p.Gly456Asp; replaces glycine 456 with aspartic acid.
Molecular consequence: missense variant.
Genome position (GRCh38, 1-based): chr6:137,198,134, C>T on the plus strand (G>A on the coding strand, the complement: IFNGR1 is on the minus strand). VCF-style: chr6-137198134-C-T. GRCh37 (hg19) VCF-style: chr6-137519271-C-T.
Other names: c.1337G>A, p.Gly446Asp (NM_001363526.1); c.1244G>A, p.Gly415Asp (NM_001363527.1); short protein forms G456D, G415D, G446D.
Identifiers: ClinVar variation 2103703 (VCV002103703.4), dbSNP rs2114440948, ClinGen allele CA365771853.